The following is an entry in ClinVar:

NM_001085487.3(MYSM1):c.205TTG[1] (p.Leu70del)

Gene: MYSM1 (Myb like, SWIRM and MPN domains 1; minus strand). Cytogenetic location: 1p32.1.
Variant type: Microsatellite.
Coding change: c.205TTG[1] on transcript NM_001085487.3 (MANE Select); one copy of the 3-base unit TTG starting at c.205; the reference has two copies in a row; one copy, 3 bases deleted.
Protein change: p.Leu70del; deletes leucine 70.
Molecular consequence: inframe deletion.
Genome position (GRCh38, 1-based): chr1:58,692,869-58,692,871, CAA deleted on the plus strand (TTG on the coding strand, the reverse complement: MYSM1 is on the minus strand); deleting any 3 consecutive bases within chr1:58,692,869-58,692,876 gives the same sequence; the position shown is the placement nearest the transcript's 3' end. VCF-style (leftmost placement, unchanged base first): chr1-58692868-CCAA-C. GRCh37 (hg19) VCF-style: chr1-59158540-CCAA-C.
Other names: short protein forms L70del.
Identifiers: ClinVar variation 4690843 (VCV004690843.1).

ClinVar aggregate classification (germline): Uncertain significance (1 of 4 stars; one submission).

Submission:

Labcorp Genetics (formerly Invitae), Labcorp
Classification: Uncertain significance. Last evaluated: 2025-03-04. Review status: criteria provided, single submitter. Criteria: Invitae Variant Classification Sherloc (09022015). Collection method: clinical testing. Allele origin: germline.
Comment: This variant, c.208_210del, results in the deletion of 1 amino acid(s) of the MYSM1 protein (p.Leu70del), but otherwise preserves the integrity of the reading frame. This variant is not present in population databases (gnomAD no frequency). This variant has not been reported in the literature in individuals affected with MYSM1-related conditions. Experimental studies and prediction algorithms are not available or were not evaluated, and the functional significance of this variant is currently unknown. In summary, the available evidence is currently insufficient to determine the role of this variant in disease. Therefore, it has been classified as a Variant of Uncertain Significance.